The following is an entry in ClinVar:

ClinVar aggregate classification (germline): Uncertain significance (1 of 4 stars; one submission).

gnomAD v4.1: 1 of 1,613,960 alleles (0.000062%); highest among the groups gnomAD compares: Non-Finnish European, 0.000085%; no homozygotes.

Submission:

Labcorp Genetics (formerly Invitae), Labcorp
Classification: Uncertain significance. Last evaluated: 2024-05-09. Review status: criteria provided, single submitter. Criteria: Invitae Variant Classification Sherloc (09022015). Collection method: clinical testing. Allele origin: germline.
Comment: This sequence change replaces glutamine, which is neutral and polar, with leucine, which is neutral and non-polar, at codon 373 of the ARMC9 protein (p.Gln373Leu). This variant is not present in population databases (gnomAD no frequency). This variant has not been reported in the literature in individuals affected with ARMC9-related conditions. Experimental studies and prediction algorithms are not available or were not evaluated, and the functional significance of this variant is currently unknown. Algorithms developed to predict the effect of sequence changes on RNA splicing suggest that this variant may disrupt the consensus splice site. In summary, the available evidence is currently insufficient to determine the role of this variant in disease. Therefore, it has been classified as a Variant of Uncertain Significance.

NM_001352754.2(ARMC9):c.1118A>T (p.Gln373Leu)

Gene: ARMC9 (armadillo repeat containing 9; plus strand). Cytogenetic location: 2q37.1.
Variant type: single nucleotide variant.
Coding change: c.1118A>T on transcript NM_001352754.2 (MANE Select); coding-DNA position 1118, A replaced by T.
Protein change: p.Gln373Leu; replaces glutamine 373 with leucine.
Molecular consequence: missense variant. On other transcripts: non-coding transcript variant (1).
Genome position (GRCh38, 1-based): chr2:231,262,397, A>T. VCF-style: chr2-231262397-A-T. GRCh37 (hg19) VCF-style: chr2-232127110-A-T.
Other names: c.1118A>T, p.Gln373Leu (NM_001271466.4, NM_001291656.2, NM_001352755.2 and 3 more transcripts); c.1019A>T, p.Gln340Leu (NM_001352757.2, NM_001352758.2); short protein forms Q340L, Q373L.
Identifiers: ClinVar variation 3678658 (VCV003678658.2).